The following is an entry in ClinVar:

ClinVar aggregate classification (germline): Uncertain significance. Review status: criteria provided, multiple submitters, no conflicts (2 of 4 stars). 2 submissions from 2 submitters: Uncertain significance (2). Last evaluated 2025-06-05.

Conditions:
GLI2-related disorder. Also called: GLI2-related disorders; GLI2-related condition.
Inborn genetic diseases. Identifiers: MedGen C0950123, MeSH D030342.

Allele frequency attached by ClinVar (database versions not stated): gnomAD exomes 0.00001; TOPMed 0.00002.
gnomAD v4.1: 3 of 1,557,944 alleles (0.00019%); highest among the groups gnomAD compares: Admixed American, 0.0056%; no homozygotes.

Submissions (2):

PreventionGenetics, part of Exact Sciences
Classification: Uncertain significance for GLI2-related condition. Last evaluated: 2025-06-05. Review status: criteria provided, single submitter. Criteria: ACMG Guidelines, 2015. Collection method: clinical testing. Allele origin: germline.
Comment: The GLI2 c.3059C>T variant is predicted to result in the amino acid substitution p.Ala1020Val. To our knowledge, this variant has not been reported in the literature. This variant is reported in 0.013% of alleles in individuals of European (Finnish) descent in gnomAD. Although we suspect that this variant may be benign, at this time, the clinical significance of this variant is uncertain due to the absence of conclusive functional and genetic evidence.

Ambry Genetics
Classification: Uncertain significance for Inborn genetic diseases. Last evaluated: 2021-10-22. Review status: criteria provided, single submitter. Criteria: Ambry Variant Classification Scheme 2023. Collection method: clinical testing. Allele origin: germline.

NM_001374353.1(GLI2):c.3008C>T (p.Ala1003Val)

Gene: GLI2 (GLI family zinc finger 2; plus strand). Cytogenetic location: 2q14.2.
Variant type: single nucleotide variant.
Coding change: c.3008C>T on transcript NM_001374353.1 (MANE Select); coding-DNA position 3008, C replaced by T.
Protein change: p.Ala1003Val; replaces alanine 1003 with valine.
Molecular consequence: missense variant.
Genome position (GRCh38, 1-based): chr2:120,988,973, C>T. VCF-style: chr2-120988973-C-T. GRCh37 (hg19) VCF-style: chr2-121746549-C-T.
Other names: c.3059C>T, p.Ala1020Val (NM_001371271.1, NM_005270.5); c.2633C>T, p.Ala878Val (NM_001374354.1); short protein forms A1003V, A878V, A1020V.
Identifiers: ClinVar variation 2256377 (VCV002256377.3), dbSNP rs1274644562, ClinGen allele CA348171003.
Genomic context (GRCh38, chr2:120,988,973, plus strand): 5'-CCTGTGCCGACAGGCGAGGCCTCCGCCTGCAGAGCCACCCGAGCACCGACGGCGGCCTGG[C>T]CCGCGGCGCCTACTCGCCCCGGCCGCCTAGCATCAGCGAGAACGTGGCGATGGAGGCCGT-3'
Protein context (NP_001361282.1, residues 993-1013): QSHPSTDGGL[Ala1003Val]RGAYSPRPPS